The following is an entry in ClinVar:

NM_194248.3(OTOF):c.5461G>A (p.Glu1821Lys)

Gene: OTOF (otoferlin; minus strand). Cytogenetic location: 2p23.3.
Variant type: single nucleotide variant.
Coding change: c.5461G>A on transcript NM_194248.3 (MANE Select); coding-DNA position 5461, G replaced by A.
Protein change: p.Glu1821Lys; replaces glutamic acid 1821 with lysine.
Molecular consequence: missense variant.
Genome position (GRCh38, 1-based): chr2:26,461,768, C>T on the plus strand (G>A on the coding strand, the complement: OTOF is on the minus strand). VCF-style: chr2-26461768-C-T. GRCh37 (hg19) VCF-style: chr2-26684636-C-T.
Other names: c.5461G>A, p.Glu1821Lys (NM_001287489.2); c.3160G>A, p.Glu1054Lys (NM_004802.4, NM_194323.3); c.3391G>A, p.Glu1131Lys (NM_194322.3); short protein forms E1054K, E1131K, E1821K.
Identifiers: ClinVar variation 1704105 (VCV001704105.4), dbSNP rs756694424, ClinGen allele CA1562820.

ClinVar aggregate classification (germline): Uncertain significance. Review status: criteria provided, multiple submitters, no conflicts (2 of 4 stars). 2 submissions from 2 submitters: Uncertain significance (2). Last evaluated 2022-09-06.

Allele frequency attached by ClinVar (database versions not stated): gnomAD exomes 0.00001; ExAC 0.00004.
gnomAD v4.1: 9 of 1,614,168 alleles (0.00056%); highest among the groups gnomAD compares: Admixed American, 0.012%; no homozygotes.

Submissions (2):

Labcorp Genetics (formerly Invitae), Labcorp
Classification: Uncertain significance. Last evaluated: 2022-09-06. Review status: criteria provided, single submitter. Criteria: Invitae Variant Classification Sherloc (09022015). Collection method: clinical testing. Allele origin: germline.
Comment: This sequence change replaces glutamic acid, which is acidic and polar, with lysine, which is basic and polar, at codon 1821 of the OTOF protein (p.Glu1821Lys). This variant is present in population databases (rs756694424, gnomAD 0.02%). This variant has not been reported in the literature in individuals affected with OTOF-related conditions. Algorithms developed to predict the effect of missense changes on protein structure and function (SIFT, PolyPhen-2, Align-GVGD) all suggest that this variant is likely to be disruptive. Algorithms developed to predict the effect of sequence changes on RNA splicing suggest that this variant may create or strengthen a splice site. In summary, the available evidence is currently insufficient to determine the role of this variant in disease. Therefore, it has been classified as a Variant of Uncertain Significance.

GeneDx
Classification: Uncertain significance. Last evaluated: 2022-08-24. Review status: criteria provided, single submitter. Criteria: GeneDx Variant Classification Process June 2021. Collection method: clinical testing. Allele origin: germline. Affected: yes.
Comment: In silico analysis supports that this missense variant has a deleterious effect on protein structure/function; Has not been previously published as pathogenic or benign to our knowledge